The following is an entry in ClinVar:

ClinVar aggregate classification (germline): Uncertain significance (1 of 4 stars; one submission).

Conditions:
Hypertrophic cardiomyopathy. Also called: HYPERTROPHIC MYOCARDIOPATHY. Identifiers: Orphanet 217569, MedGen C0007194, MeSH D002312, MONDO:0005045, HP:0001639.

Allele frequency attached by ClinVar (database versions not stated): gnomAD exomes below 0.00001.
gnomAD v4.1: 1 of 1,610,722 alleles (0.000062%); highest among the groups gnomAD compares: Non-Finnish European, 0.000085%; no homozygotes.

Submission:

Labcorp Genetics (formerly Invitae), Labcorp
Classification: Uncertain significance for Hypertrophic cardiomyopathy. Last evaluated: 2022-03-20. Review status: criteria provided, single submitter. Criteria: Invitae Variant Classification Sherloc (09022015). Collection method: clinical testing. Allele origin: germline.
Comment: This sequence change falls in intron 6 of the MYH7 gene. It does not directly change the encoded amino acid sequence of the MYH7 protein. This variant is not present in population databases (gnomAD no frequency). This variant has not been reported in the literature in individuals affected with MYH7-related conditions. In summary, the available evidence is currently insufficient to determine the role of this variant in disease. Therefore, it has been classified as a Variant of Uncertain Significance. Algorithms developed to predict the effect of sequence changes on RNA splicing suggest that this variant may disrupt the consensus splice site.

NM_000257.4(MYH7):c.531-16G>A

Gene: MYH7 (myosin heavy chain 7; minus strand). Cytogenetic location: 14q11.2.
Variant type: single nucleotide variant.
Coding change: c.531-16G>A on transcript NM_000257.4 (MANE Select); 16 bases into the intron before coding-DNA position 531, G replaced by A.
Molecular consequence: intron variant.
Genome position (GRCh38, 1-based): chr14:23,431,885, C>T on the plus strand (G>A on the coding strand, the complement: MYH7 is on the minus strand). VCF-style: chr14-23431885-C-T. GRCh37 (hg19) VCF-style: chr14-23901094-C-T.
Identifiers: ClinVar variation 1941567 (VCV001941567.5), dbSNP rs2502314260, ClinGen allele CA2580088031.